The following is an entry in ClinVar:

ClinVar aggregate classification (germline): Uncertain significance (1 of 4 stars; one submission).

Allele frequency attached by ClinVar (database versions not stated): gnomAD 0.00001; gnomAD exomes 0.00001 and 0.00002; TOPMed 0.00001; ExAC 0.00002.
gnomAD v4.1: 19 of 1,613,268 alleles (0.0012%); highest among the groups gnomAD compares: East Asian, 0.011%; no homozygotes.

Submission:

Labcorp Genetics (formerly Invitae), Labcorp
Classification: Uncertain significance. Last evaluated: 2022-02-03. Review status: criteria provided, single submitter. Criteria: Invitae Variant Classification Sherloc (09022015). Collection method: clinical testing. Allele origin: germline.
Comment: This sequence change replaces alanine, which is neutral and non-polar, with valine, which is neutral and non-polar, at codon 179 of the PDE2A protein (p.Ala179Val). This variant is present in population databases (rs755233264, gnomAD 0.01%). This variant has not been reported in the literature in individuals affected with PDE2A-related conditions. Algorithms developed to predict the effect of missense changes on protein structure and function output the following: SIFT: "Tolerated"; PolyPhen-2: "Benign"; Align-GVGD: "Class C0". The valine amino acid residue is found in multiple mammalian species, which suggests that this missense change does not adversely affect protein function. Algorithms developed to predict the effect of sequence changes on RNA splicing suggest that this variant may create or strengthen a splice site. In summary, the available evidence is currently insufficient to determine the role of this variant in disease. Therefore, it has been classified as a Variant of Uncertain Significance.

NM_002599.5(PDE2A):c.536C>T (p.Ala179Val)

Gene: PDE2A (phosphodiesterase 2A; minus strand). Cytogenetic location: 11q13.4.
Variant type: single nucleotide variant.
Coding change: c.536C>T on transcript NM_002599.5 (MANE Select); coding-DNA position 536, C replaced by T.
Protein change: p.Ala179Val; replaces alanine 179 with valine.
Molecular consequence: missense variant.
Genome position (GRCh38, 1-based): chr11:72,591,310, G>A on the plus strand (C>T on the coding strand, the complement: PDE2A is on the minus strand). VCF-style: chr11-72591310-G-A. GRCh37 (hg19) VCF-style: chr11-72302354-G-A.
Other names: c.515C>T, p.Ala172Val (NM_001143839.4); c.509C>T, p.Ala170Val (NM_001146209.3); c.473C>T, p.Ala158Val (NM_001243784.2); short protein forms A158V, A170V, A172V, A179V.
Identifiers: ClinVar variation 1476258 (VCV001476258.8), dbSNP rs755233264, ClinGen allele CA6172523.